The following is an entry in ClinVar:

NM_002471.4(MYH6):c.-4C>G

Genes: MYH6 (myosin heavy chain 6; minus strand), LOC114827851 (VISTA enhancer hs2155; plus strand). Cytogenetic location: 14q11.2.
Variant type: single nucleotide variant.
Coding change: c.-4C>G on transcript NM_002471.4 (MANE Select); 4 bases upstream of the start codon, C replaced by G.
Molecular consequence: 5 prime UTR variant.
Genome position (GRCh38, 1-based): chr14:23,407,227, G>C on the plus strand (C>G on the coding strand, the complement: MYH6 is on the minus strand). VCF-style: chr14-23407227-G-C. GRCh37 (hg19) VCF-style: chr14-23876436-G-C.
Identifiers: ClinVar variation 1744690 (VCV001744690.5), dbSNP rs766664888, ClinGen allele CA7116281.
Genomic context (GRCh38, chr14:23,407,227, plus strand): 5'-TGACTTGCGGAGGTACTGGGCCGCTGCCCCAAAGTCAGCCATCTGGGCATCGGTCATCTT[G>C]GTGCTTCCCCTGGGTCAGAGACAGGAGGGCTATGTTACTCCTGAGGGAGCCCAGGCTCCA-3'

ClinVar aggregate classification (germline): Uncertain significance. Review status: criteria provided, multiple submitters, no conflicts (2 of 4 stars). 2 submissions from 2 submitters: Uncertain significance (2). Last evaluated 2026-10-01.

Conditions:
Cardiovascular phenotype. Identifiers: MedGen CN230736.

Allele frequency attached by ClinVar (database versions not stated): ExAC 0.00002; gnomAD 0.00002; gnomAD exomes 0.00002; TOPMed 0.00003.
gnomAD v4.1: 30 of 1,614,086 alleles (0.0019%); highest among the groups gnomAD compares: Non-Finnish European, 0.0025%; no homozygotes.

Submissions (2):

GeneDx
Classification: Uncertain significance. Last evaluated: 2026-10-01. Review status: criteria provided, single submitter. Criteria: GeneDx Variant Classification Process June 2021. Collection method: clinical testing. Allele origin: germline.
Comment: Alters the Kozak sequence, which plays a major role in the initiation of translation; Not observed at significant frequency in large population cohorts (gnomAD); Has not been previously published as pathogenic or benign to our knowledge

Ambry Genetics
Classification: Uncertain significance for Cardiovascular phenotype. Last evaluated: 2024-10-02. Review status: criteria provided, single submitter. Criteria: Ambry Variant Classification Scheme 2023. Collection method: clinical testing. Allele origin: germline.
Comment: The c.-4C>G variant is located in the 5' untranslated region (5&rsquo; UTR) of the MYH6 gene. This variant results from a C to G substitution 4 bases upstream from the first translated codon. This nucleotide position is well conserved in available vertebrate species. Based on the available evidence, the clinical significance of this variant remains unclear.